The following is an entry in ClinVar:

ClinVar aggregate classification (germline): Likely pathogenic (1 of 4 stars; one submission).

Conditions:
Polycystic kidney disease 3 with or without polycystic liver disease. Also called: POLYCYSTIC KIDNEY DISEASE, ADULT, TYPE III; Polycystic kidney disease 3; Polycystic Kidney and/or Polycystic Liver Disease 3. Identifiers: MedGen C3887964, MONDO:0010916, OMIM 600666.

Submission:

Department of Human Genetics, Hannover Medical School
Classification: Likely pathogenic for Polycystic kidney disease 3 with or without polycystic liver disease. Last evaluated: 2026-01-07. Review status: criteria provided, single submitter. Criteria: ACMG Guidelines, 2015. Collection method: clinical testing. Allele origin: germline. Affected: yes.
Comment: PVS1, PM2_Supporting

NM_198334.3(GANAB):c.149dup (p.Arg51fs)

Gene: GANAB (glucosidase II alpha subunit; minus strand). Cytogenetic location: 11q12.3.
Variant type: Duplication.
Coding change: c.149dup on transcript NM_198334.3 (MANE Select); coding-DNA position 149, one base duplicated (A; older notation c.149dupA).
Protein change: p.Arg51fs; shifts the reading frame from arginine 51.
Molecular consequence: frameshift variant. On other transcripts: 5 prime UTR variant (4), intron variant (3).
Genome position (GRCh38, 1-based): chr11:62,639,462, T duplicated on the plus strand (A on the coding strand, the reverse complement: GANAB is on the minus strand). VCF-style (leftmost placement, unchanged base first): chr11-62639461-C-CT. GRCh37 (hg19) VCF-style: chr11-62406933-C-CT.
Other names: c.-143dup (NM_001329222.2, NM_001329223.2); c.-628dup (NM_001329224.2, NM_001329225.2); c.149dup, p.Arg51fs (NM_198335.4); c.39-4462dup (NM_001278193.2, NM_001278192.2); c.-40+165dup (NM_001278194.2); short protein forms R51fs.
Identifiers: ClinVar variation 4681179 (VCV004681179.1).
Genomic context (GRCh38, chr11:62,639,461, plus strand): 5'-ACCAAGCTGTAGAGAGTCCAGCAAGGCTCGGTATGGAGAGAGGCCTGGCCGTATGCTTCT[C>CT]TGTCGCCTGCCAAGTGAAGGGTTGGGAAGTAAGGTAAAGGCCACCTGCAATGTCCCTAAG-3'